The following is an entry in ClinVar:

ClinVar aggregate classification (germline): Uncertain significance (1 of 4 stars; one submission).

Submission:

Labcorp Genetics (formerly Invitae), Labcorp
Classification: Uncertain significance. Last evaluated: 2019-10-20. Review status: criteria provided, single submitter. Criteria: Invitae Variant Classification Sherloc (09022015). Collection method: clinical testing. Allele origin: germline.
Comment: This sequence change creates a premature translational stop signal (p.Trp221Cysfs*20) in the KPNA7 gene. It is expected to result in an absent or disrupted protein product. In summary, the available evidence is currently insufficient to determine the role of this variant in disease. Therefore, it has been classified as a Variant of Uncertain Significance. This variant is not present in population databases (ExAC no frequency). This variant has not been reported in the literature in individuals with KPNA7-related conditions. The current clinical and genetic evidence is not sufficient to establish whether loss-of-function variants in KPNA7 cause disease.

NM_001145715.3(KPNA7):c.661_662dup (p.Trp221fs)

Gene: KPNA7 (karyopherin subunit alpha 7; minus strand). Cytogenetic location: 7q22.1.
Variant type: Duplication.
Coding change: c.661_662dup on transcript NM_001145715.3 (MANE Select); coding-DNA positions 661 to 662, 2 bases duplicated (TG; older notation c.661_662dupTG).
Protein change: p.Trp221fs; shifts the reading frame from tryptophan 221.
Molecular consequence: frameshift variant.
Genome position (GRCh38, 1-based): chr7:99,188,538-99,188,539, CA duplicated on the plus strand (TG on the coding strand, the reverse complement: KPNA7 is on the minus strand); duplicating any 2 consecutive bases within chr7:99,188,538-99,188,540 gives the same sequence; the c. name uses the placement nearest the transcript's 3' end. VCF-style (leftmost placement, unchanged base first): chr7-99188537-C-CCA. GRCh37 (hg19) VCF-style: chr7-98786160-C-CCA.
Other names: short protein forms W221fs.
Identifiers: ClinVar variation 965787 (VCV000965787.8), dbSNP rs1789760766, ClinGen allele CA1139660146.